The following is an entry in ClinVar:

NM_000368.5(TSC1):c.2851C>T (p.Gln951Ter)

Gene: TSC1 (TSC complex subunit 1; minus strand). Cytogenetic location: 9q34.13.
Variant type: single nucleotide variant.
Coding change: c.2851C>T on transcript NM_000368.5 (MANE Select); coding-DNA position 2851, C replaced by T.
Protein change: p.Gln951Ter; replaces glutamine 951 with a stop codon.
Molecular consequence: nonsense.
Genome position (GRCh38, 1-based): chr9:132,897,308, G>A on the plus strand (C>T on the coding strand, the complement: TSC1 is on the minus strand). VCF-style: chr9-132897308-G-A. GRCh37 (hg19) VCF-style: chr9-135772695-G-A.
Other names: c.2848C>T, p.Gln950Ter (NM_001162426.2, NM_001406597.1, NM_001406598.1 and 2 more transcripts); c.2698C>T, p.Gln900Ter (NM_001162427.2, NM_001406610.1); c.2488C>T, p.Gln830Ter (NM_001362177.2, NM_001406614.1, NM_001406615.1 and 4 more transcripts); c.2851C>T, p.Gln951Ter (NM_001406592.1, NM_001406593.1, NM_001406594.1 and 2 more transcripts); c.2809C>T, p.Gln937Ter (NM_001406606.1, NM_001406607.1, NM_001406605.1); c.2806C>T, p.Gln936Ter (NM_001406608.1, NM_001406609.1); c.2695C>T, p.Gln899Ter (NM_001406611.1, NM_001406612.1); c.2653C>T, p.Gln885Ter (NM_001406613.1); and 8 more; short protein forms Q634*, Q936*, Q951*, Q600*, Q816*, Q885*, Q900*, Q945*.
Identifiers: ClinVar variation 2092880 (VCV002092880.4), dbSNP rs2538481248, ClinGen allele CA375368870.

ClinVar aggregate classification (germline): Pathogenic (1 of 4 stars; one submission).

Conditions:
Tuberous sclerosis 1 (TSC1). Identifiers: Orphanet 805, MedGen C1854465, MONDO:0008612, OMIM 191100.

Submission:

Labcorp Genetics (formerly Invitae), Labcorp
Classification: Pathogenic for Tuberous sclerosis 1. Last evaluated: 2022-02-04. Review status: criteria provided, single submitter. Criteria: Invitae Variant Classification Sherloc (09022015). Collection method: clinical testing. Allele origin: germline.
Comment: For these reasons, this variant has been classified as Pathogenic. This variant has not been reported in the literature in individuals affected with TSC1-related conditions. This variant is not present in population databases (gnomAD no frequency). This sequence change creates a premature translational stop signal (p.Gln951*) in the TSC1 gene. It is expected to result in an absent or disrupted protein product. Loss-of-function variants in TSC1 are known to be pathogenic (PMID: 10227394, 17304050).

Literature cited by the submitters: PubMed 10227394; PubMed 17304050.